The following is an entry in ClinVar:

ClinVar aggregate classification (germline): Uncertain significance (1 of 4 stars; one submission).

Allele frequency attached by ClinVar (database versions not stated): gnomAD exomes below 0.00001; TOPMed below 0.00001; ExAC 0.00001; gnomAD 0.00001.

Submission:

Labcorp Genetics (formerly Invitae), Labcorp
Classification: Uncertain significance. Last evaluated: 2022-01-13. Review status: criteria provided, single submitter. Criteria: Invitae Variant Classification Sherloc (09022015). Collection method: clinical testing. Allele origin: germline.
Comment: This sequence change replaces isoleucine, which is neutral and non-polar, with threonine, which is neutral and polar, at codon 1052 of the SNRNP200 protein (p.Ile1052Thr). This variant is present in population databases (rs780843814, gnomAD 0.005%). This variant has not been reported in the literature in individuals affected with SNRNP200-related conditions. Algorithms developed to predict the effect of missense changes on protein structure and function are either unavailable or do not agree on the potential impact of this missense change (SIFT: "Deleterious"; PolyPhen-2: "Benign"; Align-GVGD: "Class C0"). In summary, the available evidence is currently insufficient to determine the role of this variant in disease. Therefore, it has been classified as a Variant of Uncertain Significance.

NM_014014.5(SNRNP200):c.3155T>C (p.Ile1052Thr)

Gene: SNRNP200 (small nuclear ribonucleoprotein U5 subunit 200; minus strand). Cytogenetic location: 2q11.2.
Variant type: single nucleotide variant.
Coding change: c.3155T>C on transcript NM_014014.5 (MANE Select); coding-DNA position 3155, T replaced by C.
Protein change: p.Ile1052Thr; replaces isoleucine 1052 with threonine.
Molecular consequence: missense variant.
Genome position (GRCh38, 1-based): chr2:96,289,056, A>G on the plus strand (T>C on the coding strand, the complement: SNRNP200 is on the minus strand). VCF-style: chr2-96289056-A-G. GRCh37 (hg19) VCF-style: chr2-96954794-A-G.
Other names: short protein forms I1052T.
Identifiers: ClinVar variation 2082252 (VCV002082252.4), dbSNP rs780843814, ClinGen allele CA1778549.